The following is an entry in ClinVar:

NM_001368809.2(AMPD2):c.-43_-24dup

Gene: AMPD2 (adenosine monophosphate deaminase 2; plus strand). Cytogenetic location: 1p13.3.
Variant type: Duplication.
Coding change: c.-43_-24dup on transcript NM_001368809.2 (MANE Select); 43 bases upstream of the start codon through 24 bases upstream of the start codon, 20 bases duplicated (GTGCCGCTCAGACTCCCCCG).
Molecular consequence: 5 prime UTR variant. On other transcripts: frameshift variant (2), intron variant (1).
Genome position (GRCh38, 1-based): chr1:109,621,133-109,621,152, GTGCCGCTCAGACTCCCCCG duplicated; duplicating any 20 consecutive bases within chr1:109,621,130-109,621,152 gives the same sequence; the c. name uses the placement nearest the transcript's 3' end. VCF-style (leftmost placement, unchanged base first): chr1-109621129-G-GCCGGTGCCGCTCAGACTCCC. GRCh37 (hg19) VCF-style: chr1-110163751-G-GCCGGTGCCGCTCAGACTCCC.
Other names: c.120_139dup, p.Ala47Glyfs (NM_001257360.2); c.26_45dup, p.Leu16fs (NM_001308170.1); c.10+855_10+874dup (NM_139156.4); short protein forms L16fs.
Identifiers: ClinVar variation 1991577 (VCV001991577.4), dbSNP rs2524377118, ClinGen allele CA2580060775.

ClinVar aggregate classification (germline): Pathogenic (1 of 4 stars; one submission).

Conditions:
Hereditary spastic paraplegia 63. Also called: Spastic paraplegia 63, autosomal recessive. Identifiers: Orphanet 401805, MedGen C3810295, MONDO:0014305, OMIM 615686.
Pontocerebellar hypoplasia type 9. Identifiers: Orphanet 369920, MedGen C4014354, MONDO:0014351, OMIM 615809.

Submission:

Labcorp Genetics (formerly Invitae), Labcorp
Classification: Pathogenic for Pontocerebellar hypoplasia type 9; Hereditary spastic paraplegia 63. Last evaluated: 2022-03-19. Review status: criteria provided, single submitter. Criteria: Invitae Variant Classification Sherloc (09022015). Collection method: clinical testing. Allele origin: germline.
Comment: For these reasons, this variant has been classified as Pathogenic. Algorithms developed to predict the effect of sequence changes on RNA splicing suggest that this variant may create or strengthen a splice site. This variant has not been reported in the literature in individuals affected with AMPD2-related conditions. This variant is not present in population databases (gnomAD no frequency). This sequence change creates a premature translational stop signal (p.Ala47Glyfs*147) in the AMPD2 gene. It is expected to result in an absent or disrupted protein product. Loss-of-function variants in AMPD2 are known to be pathogenic (PMID: 23911318).

Literature cited by the submitters: PubMed 23911318.